The following is an entry in ClinVar:

NM_006393.3(NEBL):c.1961A>G (p.Asn654Ser)

Gene: NEBL (nebulette; minus strand). Cytogenetic location: 10p12.31.
Variant type: single nucleotide variant.
Coding change: c.1961A>G on transcript NM_006393.3 (MANE Select); coding-DNA position 1961, A replaced by G.
Protein change: p.Asn654Ser; replaces asparagine 654 with serine.
Molecular consequence: missense variant. On other transcripts: intron variant (9).
Genome position (GRCh38, 1-based): chr10:20,823,209, T>C on the plus strand (A>G on the coding strand, the complement: NEBL is on the minus strand). VCF-style: chr10-20823209-T-C. GRCh37 (hg19) VCF-style: chr10-21112138-T-C.
Other names: c.250-10269A>G (NM_001377326.1, NM_001377327.1, NM_001377328.1); c.358-10269A>G (NM_213569.2, NM_001173484.2, NM_001377322.1); c.301-10269A>G (NM_001377324.1); c.292-10269A>G (NM_001377325.1); c.310-10269A>G (NM_001377323.1); short protein forms N654S.
Identifiers: ClinVar variation 1783439 (VCV001783439.2), dbSNP rs1839521789, ClinGen allele CA376095399.

ClinVar aggregate classification (germline): Uncertain significance (1 of 4 stars; one submission).

gnomAD v4.1: 3 of 1,596,728 alleles (0.00019%); highest among the groups gnomAD compares: East Asian, 0.0067%; no homozygotes.

Submission:

Ambry Genetics
Classification: Uncertain significance. Last evaluated: 2022-10-09. Review status: criteria provided, single submitter. Criteria: Ambry Variant Classification Scheme 2023. Collection method: clinical testing. Allele origin: germline.
Comment: The p.N654S variant (also known as c.1961A>G), located in coding exon 19 of the NEBL gene, results from an A to G substitution at nucleotide position 1961. The asparagine at codon 654 is replaced by serine, an amino acid with highly similar properties. This amino acid position is conserved. In addition, this alteration is predicted to be tolerated by in silico analysis. Since supporting evidence is limited at this time, the clinical significance of this alteration remains unclear.